The following is an entry in ClinVar:

NM_000038.6(APC):c.3145T>C (p.Trp1049Arg)

Gene: APC (APC regulator of Wnt signaling pathway; plus strand). Cytogenetic location: 5q22.2.
Variant type: single nucleotide variant.
Coding change: c.3145T>C on transcript NM_000038.6 (MANE Select); coding-DNA position 3145, T replaced by C.
Protein change: p.Trp1049Arg; replaces tryptophan 1049 with arginine.
Molecular consequence: missense variant.
Genome position (GRCh38, 1-based): chr5:112,838,739, T>C. VCF-style: chr5-112838739-T-C. GRCh37 (hg19) VCF-style: chr5-112174436-T-C.
Other names: p.W1049R:TGG>CGG; c.3145T>C, p.Trp1049Arg (NM_001127510.3, NM_001354895.2); c.3091T>C, p.Trp1031Arg (NM_001127511.3); c.3199T>C, p.Trp1067Arg (NM_001354896.2); c.3175T>C, p.Trp1059Arg (NM_001354897.2); c.3070T>C, p.Trp1024Arg (NM_001354898.2); c.3061T>C, p.Trp1021Arg (NM_001354899.2); c.3022T>C, p.Trp1008Arg (NM_001354900.2); and 6 more; short protein forms W1049R, W1031R, W1008R, W923R, W990R, W1067R, W948R, W1024R.
Identifiers: ClinVar variation 127285 (VCV000127285.28), dbSNP rs587779787, ClinGen allele CA008077.

ClinVar aggregate classification (germline): Uncertain significance. Review status: criteria provided, multiple submitters, no conflicts (2 of 4 stars). 7 submissions from 7 submitters: Uncertain significance (7). Last evaluated 2026-04-20.

Conditions:
Classic or attenuated familial adenomatous polyposis. Identifiers: MedGen CN372698, MONDO:0021057.
Hereditary cancer-predisposing syndrome. Also called: Neoplastic Syndromes, Hereditary; Tumor predisposition; Hereditary neoplastic syndrome; Hereditary Cancer Syndrome. Identifiers: Orphanet 140162, MedGen C0027672, MeSH D009386, MONDO:0015356.
Familial adenomatous polyposis 1 (FAP1). Also called: FAMILIAL ADENOMATOUS POLYPOSIS 1, ATTENUATED; POLYPOSIS, ADENOMATOUS INTESTINAL. Identifiers: MedGen C2713442, MONDO:0021056, OMIM 175100. Disease mechanism: loss of function.

Allele frequency attached by ClinVar (database versions not stated): gnomAD exomes 0.00001.
gnomAD v4.1: 9 of 1,614,144 alleles (0.00056%); highest among the groups gnomAD compares: Non-Finnish European, 0.00068%; no homozygotes.

Submissions (7):

Ambry Genetics
Classification: Uncertain significance for Hereditary cancer-predisposing syndrome. Last evaluated: 2026-04-20. Review status: criteria provided, single submitter. Criteria: Ambry Variant Classification Scheme 2023. Collection method: clinical testing. Allele origin: germline.
Comment: The p.W1049R variant (also known as c.3145T>C), located in coding exon 15 of the APC gene, results from a T to C substitution at nucleotide position 3145. The tryptophan at codon 1049 is replaced by arginine, an amino acid with dissimilar properties. This amino acid position is highly conserved in available vertebrate species. In addition, in silico predictors for this gene do not accurately predict pathogenicity. Missense alterations in APC are not a common cause of disease (Spier I et al. Genet Med. 2024 Feb;26(2):100992). Based on the available evidence, the clinical significance of this variant remains unclear.

Labcorp Genetics (formerly Invitae), Labcorp
Classification: Uncertain significance for Familial adenomatous polyposis 1. Last evaluated: 2026-01-28. Review status: criteria provided, single submitter. Criteria: Invitae Variant Classification Sherloc (09022015). Collection method: clinical testing. Allele origin: germline.
Comment: This sequence change replaces tryptophan, which is neutral and slightly polar, with arginine, which is basic and polar, at codon 1049 of the APC protein (p.Trp1049Arg). This variant is not present in population databases (gnomAD no frequency). This variant has not been reported in the literature in individuals affected with APC-related conditions. ClinVar contains an entry for this variant (Variation ID: 127285). Invitae Evidence Modeling of protein sequence and biophysical properties (such as structural, functional, and spatial information, amino acid conservation, physicochemical variation, residue mobility, and thermodynamic stability) indicates that this missense variant is not expected to disrupt APC protein function with a negative predictive value of 95%. In summary, the available evidence is currently insufficient to determine the role of this variant in disease. Therefore, it has been classified as a Variant of Uncertain Significance.

Color Diagnostics, LLC DBA Color Health
Classification: Uncertain significance for Hereditary cancer-predisposing syndrome. Last evaluated: 2025-12-09. Review status: criteria provided, single submitter. Criteria: ACMG Guidelines, 2015. Collection method: clinical testing. Allele origin: germline.
Comment: This missense variant replaces tryptophan with arginine at codon 1049 of the APC protein. Computational prediction is inconclusive regarding the impact of this variant on protein structure and function. APC is defined as a gene for which primarily truncating variants are known to cause disease (ClinGen HCCP VCEP). To our knowledge, functional studies have not been reported for this variant. This variant has not been reported in individuals affected with APC-related disorders in the literature. This variant has been identified in 9/1614144 chromosomes in the general population by the Genome Aggregation Database (gnomAD). The available evidence is insufficient to determine the role of this variant in disease conclusively. Therefore, this variant is classified as a Variant of Uncertain Significance.

All of Us Research Program, National Institutes of Health
Classification: Uncertain significance for Classic or attenuated familial adenomatous polyposis. Last evaluated: 2024-09-23. Review status: criteria provided, single submitter. Criteria: ACMG Guidelines, 2015. Collection method: clinical testing. Allele origin: germline. Inheritance: Autosomal dominant inheritance. Observed: 5 variant alleles, 5 heterozygotes.
Comment: This missense variant replaces tryptophan with arginine at codon 1049 of the APC protein. Computational prediction is inconclusive regarding the impact of this variant on protein structure and function (internally defined REVEL score threshold 0.5 < inconclusive < 0.7, PMID: 27666373). To our knowledge, functional studies have not been reported for this variant. This variant has not been reported in individuals affected with APC-related disorders in the literature. This variant has not been identified in the general population by the Genome Aggregation Database (gnomAD). The available evidence is insufficient to determine the role of this variant in disease conclusively. Therefore, this variant is classified as a Variant of Uncertain Significance.

This study involves interpretation of variants in research participants for the purpose of population health screening. Participant phenotype was not available at the time of variant classification. Additional details can be found in publication PMID: 35346344, PMCID: PMC8962531

GeneDx
Classification: Uncertain significance. Last evaluated: 2023-12-11. Review status: criteria provided, single submitter. Criteria: GeneDx Variant Classification Process June 2021. Collection method: clinical testing. Allele origin: germline. Affected: yes.
Comment: Not observed at significant frequency in large population cohorts (gnomAD); In silico analysis supports that this missense variant has a deleterious effect on protein structure/function; Has not been previously published as pathogenic or benign to our knowledge; This variant is associated with the following publications: (PMID: 18199528)

Baylor Genetics
Classification: Uncertain significance for Familial adenomatous polyposis 1. Last evaluated: 2023-10-15. Review status: criteria provided, single submitter. Criteria: ACMG Guidelines, 2015. Collection method: clinical testing. Allele origin: unknown.

Sema4
Classification: Uncertain significance for Hereditary cancer-predisposing syndrome. Last evaluated: 2021-04-19. Review status: criteria provided, single submitter. Criteria: Sema4 Curation Guidelines. Collection method: curation. Allele origin: germline.
Comment: The APC c.3145T>C (p.W1049R) variant has not been reported in the literature to our knowledge. It was not observed in the large and broad cohorts of the Genome Aggregation Database (PMID: 32461654). This variant has been reported in ClinVar (Variation ID 127285). Computational analyses and evolutionary conservation data do not provide strong support for or against an impact to the protein, and these predictions have not been confirmed by published functional studies. The overall evidence is insufficient to meet ACMG/AMP criteria for classifying it as benign or pathogenic. In summary, the clinical significance of this variant is currently uncertain.